The following is an entry in ClinVar:

ClinVar aggregate classification (germline): Uncertain significance (1 of 4 stars; one submission).

Submission:

Women's Health and Genetics/Laboratory Corporation of America, LabCorp
Classification: Uncertain significance. Last evaluated: 2026-06-09. Review status: criteria provided, single submitter. Criteria: LabCorp Variant Classification Summary - May 2015. Collection method: clinical testing. Allele origin: germline.
Comment: Variant summary: KANSL1 c.2429A>G (p.Tyr810Cys) results in a non-conservative amino acid change in the encoded protein sequence. Algorithms developed to predict the effect of missense changes on protein structure and function are either unavailable or do not agree on the potential impact of this missense change. The variant was absent in 251412 control chromosomes. The available data on variant occurrences in the general population are insufficient to allow any conclusion about variant significance. To our knowledge, no occurrence of c.2429A>G in individuals affected with KANSL1-related conditions and no experimental evidence demonstrating its impact on protein function have been reported. No submitters have cited clinical-significance assessments for this variant to ClinVar. Based on the evidence outlined above, the variant was classified as uncertain significance.

NM_015443.4(KANSL1):c.2429A>G (p.Tyr810Cys)

Gene: KANSL1 (KAT8 regulatory NSL complex subunit 1). Cytogenetic location: 17q21.31.
Variant type: single nucleotide variant.
Coding change: c.2429A>G on transcript NM_015443.4 (MANE Select); coding-DNA position 2429, A replaced by G.
Protein change: p.Tyr810Cys; replaces tyrosine 810 with cysteine.
Molecular consequence: missense variant.
Genome position (GRCh38, 1-based): chr17:46,038,650, T>C on the plus strand (A>G on the coding strand, the complement: KANSL1 is on the minus strand). VCF-style: chr17-46038650-T-C. GRCh37 (hg19) VCF-style: chr17-44116016-T-C.
Other names: c.2429A>G, p.Tyr810Cys (NM_001193465.2, NM_001193466.2, NM_001379198.1 and 8 more transcripts); c.2327A>G, p.Tyr776Cys (NM_001405859.1, NM_001405860.1, NM_001405861.1 and 1 more transcripts); c.2240A>G, p.Tyr747Cys (NM_001405875.1, NM_001405876.1, NM_001405877.1 and 3 more transcripts); c.1163A>G, p.Tyr388Cys (NM_001405882.1, NM_001405883.1); c.974A>G, p.Tyr325Cys (NM_001405884.1, NM_001405885.1); short protein forms Y325C, Y388C, Y747C, Y776C, Y810C.
Identifiers: ClinVar variation 4887417 (VCV004887417.1).